The following is an entry in ClinVar:

ClinVar aggregate classification (germline): Likely pathogenic (1 of 4 stars; one submission).

Conditions:
Maple syrup urine disease type 1B (MSUD1B). Also called: MSUD type IB; MSUD type 3 (formerly); MSUD due to deficiency of e1-beta subunit of branched-chain alpha-keto acid dehydrogenase complex. Identifiers: MedGen C2930990, MONDO:0023692, OMIM 620698.

Submission:

Dasa
Classification: Likely pathogenic for Maple syrup urine disease type 1B. Last evaluated: 2025-02-27. Review status: criteria provided, single submitter. Criteria: DASA Assertion Criteria. Collection method: clinical testing. Allele origin: germline.
Comment: NM_183050.4(BCKDHB):c.274+1G>A affects a canonical splice site and is predicted to disrupt normal RNA splicing. Loss of function is an established disease mechanism for BCKDHB-associated disorders. Also, this variant is absent from population databases. Based on the currently available evidence, this variant is classified as likely pathogenic.

NM_183050.4(BCKDHB):c.274+1G>A

Gene: BCKDHB (branched chain keto acid dehydrogenase E1 subunit beta; plus strand). Cytogenetic location: 6q14.1.
Variant type: single nucleotide variant.
Coding change: c.274+1G>A on transcript NM_183050.4 (MANE Select); the canonical splice donor site of the intron after coding-DNA position 274, G replaced by A.
Molecular consequence: splice donor variant. On other transcripts: non-coding transcript variant (1).
Genome position (GRCh38, 1-based): chr6:80,127,625, G>A. VCF-style: chr6-80127625-G-A. GRCh37 (hg19) VCF-style: chr6-80837342-G-A.
Other names: c.64+1G>A (NM_001318975.1, NM_001424043.1); c.274+1G>A (NM_001424037.1, NM_001424036.1, NM_001424035.1 and 8 more transcripts).
Identifiers: ClinVar variation 4880889 (VCV004880889.2).